The following is an entry in ClinVar:

NM_001458.5(FLNC):c.4467del (p.Glu1489fs)

Gene: FLNC (filamin C; plus strand). Cytogenetic location: 7q32.1.
Variant type: Deletion.
Coding change: c.4467del on transcript NM_001458.5 (MANE Select); coding-DNA position 4467, one base deleted (G; older notation c.4467delG).
Protein change: p.Glu1489fs; shifts the reading frame from glutamic acid 1489.
Molecular consequence: frameshift variant.
Genome position (GRCh38, 1-based): chr7:128,847,955, G deleted. VCF-style (leftmost placement, unchanged base first): chr7-128847954-AG-A. GRCh37 (hg19) VCF-style: chr7-128488008-AG-A.
Other names: c.4467delG (NM_001458.5); c.4467del, p.Glu1489fs (NM_001127487.2); short protein forms E1489fs.
Identifiers: ClinVar variation 3068675 (VCV003068675.1), dbSNP rs2536646361, ClinGen allele CA2580610850.

ClinVar aggregate classification (germline): Likely pathogenic (1 of 4 stars; one submission).

Conditions:
Disorder of cardiovascular system. Also called: Cardiovascular disease; Cardiovascular Diseases; Cardiovascular disorder. Identifiers: MedGen C0007222, MONDO:0004995.

Submission:

Molecular Genetics, Royal Melbourne Hospital
Classification: Likely pathogenic for Disorder of cardiovascular system. Last evaluated: 2023-05-04. Review status: criteria provided, single submitter. Criteria: ACMG Guidelines, 2015. Collection method: clinical testing. Allele origin: germline. Affected: yes.
Comment: This sequence change in FLNC is a frameshift variant predicted to cause a premature stop codon, p.(Glu1489Aspfs*27), in biologically relevant exon 26/48 leading to nonsense-mediated decay in a gene in which loss of function is an established disease mechanism. This variant is absent from the population database gnomAD v2.1 and v3.1. To our knowledge, this variant is novel and has not been reported previously in the relevant scientific literature or databases. Based on the classification scheme RMH Modified ACMG/AMP Guidelines v1.6.1, this variant is classified as LIKELY PATHOGENIC. Following criteria are met: PVS1, PM2_Supporting.